The following is an entry in ClinVar:

ClinVar aggregate classification (germline): Likely pathogenic (1 of 4 stars; one submission).

gnomAD v4.1: 1 of 1,614,126 alleles (0.000062%); highest among the groups gnomAD compares: Non-Finnish European, 0.000085%; no homozygotes.

Submission:

Labcorp Genetics (formerly Invitae), Labcorp
Classification: Likely pathogenic. Last evaluated: 2021-09-10. Review status: criteria provided, single submitter. Criteria: Invitae Variant Classification Sherloc (09022015). Collection method: clinical testing. Allele origin: germline.
Comment: This variant is not present in population databases (ExAC no frequency). This sequence change affects a donor splice site in intron 37 of the COL7A1 gene. It is expected to disrupt splicing. Variants that disrupt the donor or acceptor splice site typically lead to a loss of protein function (PMID: 16199547), and loss-of-function variants in COL7A1 are known to be disease-causing for autosomal recessive dystrophic epidermolysis bullosa (PMID: 16971478). However, certain variants affecting donor or acceptor splice sites in the triple helical domain of COL7A1 are expected to result in in-frame exon skipping and have been reported to cause autosomal dominant dystrophic epidermolysis bullosa (PMID: 31670143). In summary, the currently available evidence indicates that the variant is pathogenic, but additional data are needed to prove that conclusively. Therefore, this variant has been classified as Likely Pathogenic. Algorithms developed to predict the effect of sequence changes on RNA splicing suggest that this variant may disrupt the consensus splice site. Disruption of this splice site has been observed in individual(s) with autosomal dominant dystrophic epidermolysis bullosa (PMID: 19197535).

Literature cited by the submitters: PubMed 16199547; PubMed 16971478; PubMed 31670143; PubMed 19197535.

NM_000094.4(COL7A1):c.4224+1G>A

Gene: COL7A1 (collagen type VII alpha 1 chain; minus strand). Cytogenetic location: 3p21.31.
Variant type: single nucleotide variant.
Coding change: c.4224+1G>A on transcript NM_000094.4 (MANE Select); the canonical splice donor site of the intron after coding-DNA position 4224, G replaced by A.
Molecular consequence: splice donor variant.
Genome position (GRCh38, 1-based): chr3:48,584,034, C>T on the plus strand (G>A on the coding strand, the complement: COL7A1 is on the minus strand). VCF-style: chr3-48584034-C-T. GRCh37 (hg19) VCF-style: chr3-48621467-C-T.
Identifiers: ClinVar variation 1470646 (VCV001470646.6), dbSNP rs769954836, ClinGen allele CA352694555.